The following is an entry in ClinVar:

ClinVar aggregate classification (germline): Uncertain significance. Review status: criteria provided, multiple submitters, no conflicts (2 of 4 stars). 5 submissions from 5 submitters: Uncertain significance (4). 1 of the submissions does not count toward it. Last evaluated 2026-07-14.

Conditions:
Primary ciliary dyskinesia. Also called: Ciliary dyskinesia. Identifiers: Orphanet 244, MedGen C0008780, MONDO:0016575, HP:0012265.
Primary ciliary dyskinesia 3. Identifiers: Orphanet 244, MedGen C1837618, MONDO:0012085, OMIM 608644.

Allele frequency attached by ClinVar (database versions not stated): gnomAD 0.00001 and 0.00002; TOPMed 0.00001; ExAC 0.00002; gnomAD exomes 0.00002.
gnomAD v4.1: 25 of 1,614,006 alleles (0.0015%); highest among the groups gnomAD compares: Non-Finnish European, 0.0019%; no homozygotes.

Submissions (5):

Ambry Genetics
Classification: Uncertain significance for Primary ciliary dyskinesia. Last evaluated: 2026-07-14. Review status: criteria provided, single submitter. Criteria: Ambry Variant Classification Scheme 2023. Collection method: clinical testing. Allele origin: germline.
Comment: The p.T1888I variant (also known as c.5663C>T), located in coding exon 34 of the DNAH5 gene, results from a C to T substitution at nucleotide position 5663. The threonine at codon 1888 is replaced by isoleucine, an amino acid with similar properties. This amino acid position is highly conserved in available vertebrate species. In addition, this alteration is predicted to be deleterious by in silico analysis. Based on the available evidence, the clinical significance of this variant remains unclear.

Labcorp Genetics (formerly Invitae), Labcorp
Classification: Uncertain significance for Primary ciliary dyskinesia. Last evaluated: 2024-10-16. Review status: criteria provided, single submitter. Criteria: Invitae Variant Classification Sherloc (09022015). Collection method: clinical testing. Allele origin: germline.
Comment: This sequence change replaces threonine, which is neutral and polar, with isoleucine, which is neutral and non-polar, at codon 1888 of the DNAH5 protein (p.Thr1888Ile). This variant is present in population databases (rs777579934, gnomAD 0.004%). This variant has not been reported in the literature in individuals affected with DNAH5-related conditions. ClinVar contains an entry for this variant (Variation ID: 450080). Invitae Evidence Modeling of protein sequence and biophysical properties (such as structural, functional, and spatial information, amino acid conservation, physicochemical variation, residue mobility, and thermodynamic stability) indicates that this missense variant is not expected to disrupt DNAH5 protein function with a negative predictive value of 95%. In summary, the available evidence is currently insufficient to determine the role of this variant in disease. Therefore, it has been classified as a Variant of Uncertain Significance.

Fulgent Genetics
Classification: Uncertain significance for Primary ciliary dyskinesia 3. Last evaluated: 2021-07-10. Review status: criteria provided, single submitter. Criteria: ACMG Guidelines, 2015. Collection method: clinical testing. Allele origin: unknown.

GeneDx
Classification: Uncertain significance. Last evaluated: 2020-11-09. Review status: criteria provided, single submitter. Criteria: GeneDx Variant Classification Process June 2021. Collection method: clinical testing. Allele origin: germline. Affected: yes.
Comment: In silico analysis supports that this missense variant has a deleterious effect on protein structure/function; Has not been previously published as pathogenic or benign to our knowledge

Natera, Inc.
Classification: Uncertain significance for Primary ciliary dyskinesia. Last evaluated: 2019-10-28. Review status: no assertion criteria provided. Collection method: clinical testing. Allele origin: germline. Not counted in ClinVar's aggregate classification.

NM_001369.3(DNAH5):c.5663C>T (p.Thr1888Ile)

Gene: DNAH5 (dynein axonemal heavy chain 5; minus strand). Cytogenetic location: 5p15.2.
Variant type: single nucleotide variant.
Coding change: c.5663C>T on transcript NM_001369.3 (MANE Select); coding-DNA position 5663, C replaced by T.
Protein change: p.Thr1888Ile; replaces threonine 1888 with isoleucine.
Molecular consequence: missense variant.
Genome position (GRCh38, 1-based): chr5:13,840,952, G>A on the plus strand (C>T on the coding strand, the complement: DNAH5 is on the minus strand). VCF-style: chr5-13840952-G-A. GRCh37 (hg19) VCF-style: chr5-13841061-G-A.
Other names: short protein forms T1888I.
Identifiers: ClinVar variation 450080 (VCV000450080.20), dbSNP rs777579934, ClinGen allele CA3203614.